The following is an entry in ClinVar:

ClinVar aggregate classification (germline): Pathogenic (1 of 4 stars; one submission).

Conditions:
Gorlin syndrome. Also called: Basal cell nevus syndrome; Nevoid Basal Cell Carcinoma Syndrome. Identifiers: Orphanet 377, MedGen C0004779, MONDO:0007187.

Submission:

Laboratory of Medical Genetics, National & Kapodistrian University of Athens
Classification: Pathogenic for Basal cell nevus syndrome 1. Last evaluated: 2021-10-01. Review status: criteria provided, single submitter. Criteria: ACMG Guidelines, 2015. Collection method: clinical testing. Allele origin: unknown. Affected: yes.
Comment: PVS1, PM2, PP3, PP4

Literature cited by the submitters: PubMed 34008892.

NM_000264.5(PTCH1):c.1197del (p.Trp399fs)

Gene: PTCH1 (patched 1; minus strand). Cytogenetic location: 9q22.32.
Variant type: Deletion.
Coding change: c.1197del on transcript NM_000264.5 (MANE Select); coding-DNA position 1197, one base deleted (G; older notation c.1197delG).
Protein change: p.Trp399fs; shifts the reading frame from tryptophan 399.
Molecular consequence: frameshift variant. On other transcripts: non-coding transcript variant (1).
Genome position (GRCh38, 1-based): chr9:95,479,018, C deleted on the plus strand (G on the coding strand, the reverse complement: PTCH1 is on the minus strand); the first of 2 consecutive C bases (chr9:95,479,018-95,479,019); deleting either gives the same sequence. VCF-style (leftmost placement, unchanged base first): chr9-95479017-GC-G. GRCh37 (hg19) VCF-style: chr9-98241299-GC-G.
Other names: c.999del, p.Trp333fs (NM_001083602.3); c.1194del, p.Trp398fs (NM_001083603.3); c.744del, p.Trp248fs (NM_001083604.3, NM_001083605.3, NM_001083606.3 and 1 more transcripts); c.1197del, p.Trp399fs (NM_001354918.2); short protein forms W248fs, W333fs, W398fs, W399fs.
Identifiers: ClinVar variation 1299507 (VCV001299507.1), dbSNP rs2118364366, ClinGen allele CA2499220077.